The following is an entry in ClinVar:

NM_032531.4(KIRREL3):c.375C>T (p.Tyr125=)

Gene: KIRREL3 (kirre like nephrin family adhesion molecule 3; minus strand). Cytogenetic location: 11q24.2.
Variant type: single nucleotide variant.
Coding change: c.375C>T on transcript NM_032531.4 (MANE Select); coding-DNA position 375, C replaced by T.
Protein change: p.Tyr125=; no amino-acid change (tyrosine 125 retained).
Molecular consequence: synonymous variant.
Genome position (GRCh38, 1-based): chr11:126,521,373, G>A on the plus strand (C>T on the coding strand, the complement: KIRREL3 is on the minus strand). VCF-style: chr11-126521373-G-A. GRCh37 (hg19) VCF-style: chr11-126391268-G-A.
Other names: c.375C>T, p.Tyr125= (NM_001161707.2, NM_001301097.2).
Identifiers: ClinVar variation 2642539 (VCV002642539.25), dbSNP rs544498059, ClinGen allele CA6356261.

ClinVar aggregate classification (germline): Likely benign. Review status: criteria provided, single submitter (1 of 4 stars). 2 submissions from 2 submitters: Likely benign (1). 1 of the submissions does not count toward it. Last evaluated 2022-11-01.

Conditions:
KIRREL3-related disorder. Also called: KIRREL3-related condition.

Allele frequency attached by ClinVar (database versions not stated): TOPMed 0.00006; gnomAD 0.00007; ExAC 0.00014; 1000 Genomes Project 30x 0.00016; 1000 Genomes Project 0.00020.
gnomAD v4.1: 96 of 1,559,440 alleles (0.0062%); highest among the groups gnomAD compares: South Asian, 0.012%; no homozygotes.

Submissions (2):

CeGaT Center for Human Genetics Tuebingen
Classification: Likely benign. Last evaluated: 2022-11-01. Review status: criteria provided, single submitter. Criteria: CeGaT Center For Human Genetics Tuebingen Variant Classification Criteria Version 2. Collection method: clinical testing. Allele origin: germline. Affected: yes. Observed: 2 variant alleles.
Comment: KIRREL3: BP4, BP7

PreventionGenetics, part of Exact Sciences
Classification: Likely benign for KIRREL3-related condition. Last evaluated: 2019-11-26. Review status: no assertion criteria provided. Collection method: clinical testing. Allele origin: germline. Not counted in ClinVar's aggregate classification.
Comment: This variant is classified as likely benign based on ACMG/AMP sequence variant interpretation guidelines (Richards et al. 2015 PMID: 25741868, with internal and published modifications).